The following is an entry in ClinVar:

NM_013275.6(ANKRD11):c.397+6C>T

Gene: ANKRD11 (ankyrin repeat domain 11; minus strand). Cytogenetic location: 16q24.3.
Variant type: single nucleotide variant.
Coding change: c.397+6C>T on transcript NM_013275.6 (MANE Select); 6 bases into the intron after coding-DNA position 397, C replaced by T.
Molecular consequence: intron variant.
Genome position (GRCh38, 1-based): chr16:89,291,007, G>A on the plus strand (C>T on the coding strand, the complement: ANKRD11 is on the minus strand). VCF-style: chr16-89291007-G-A. GRCh37 (hg19) VCF-style: chr16-89357415-G-A.
Other names: c.397+6C>T (NM_001256183.2, NM_001256182.2).
Identifiers: ClinVar variation 1486685 (VCV001486685.7), dbSNP rs1433854952, ClinGen allele CA624452714.

ClinVar aggregate classification (germline): Uncertain significance. Review status: criteria provided, multiple submitters, no conflicts (2 of 4 stars). 2 submissions from 2 submitters: Uncertain significance (2). Last evaluated 2023-10-13.

Conditions:
KBG syndrome (KBGS). Also called: ANKRD11-Related KBG Syndrome. Identifiers: Orphanet 2332, MedGen C0220687, MONDO:0007846, OMIM 148050.

Allele frequency attached by ClinVar (database versions not stated): gnomAD exomes below 0.00001; TOPMed below 0.00001; gnomAD 0.00001.
gnomAD v4.1: 3 of 1,610,636 alleles (0.00019%); highest among the groups gnomAD compares: East Asian, 0.0067%; no homozygotes.

Submissions (2):

Labcorp Genetics (formerly Invitae), Labcorp
Classification: Uncertain significance for KBG syndrome. Last evaluated: 2023-10-13. Review status: criteria provided, single submitter. Criteria: Invitae Variant Classification Sherloc (09022015). Collection method: clinical testing. Allele origin: germline.
Comment: This sequence change falls in intron 5 of the ANKRD11 gene. It does not directly change the encoded amino acid sequence of the ANKRD11 protein. It affects a nucleotide within the consensus splice site. This variant is present in population databases (no rsID available, gnomAD 0.06%). This variant has not been reported in the literature in individuals affected with ANKRD11-related conditions. ClinVar contains an entry for this variant (Variation ID: 1486685). Variants that disrupt the consensus splice site are a relatively common cause of aberrant splicing (PMID: 17576681, 9536098). Algorithms developed to predict the effect of sequence changes on RNA splicing suggest that this variant is not likely to affect RNA splicing. In summary, the available evidence is currently insufficient to determine the role of this variant in disease. Therefore, it has been classified as a Variant of Uncertain Significance.

GeneDx
Classification: Uncertain significance. Last evaluated: 2022-05-26. Review status: criteria provided, single submitter. Criteria: GeneDx Variant Classification Process June 2021. Collection method: clinical testing. Allele origin: germline. Affected: yes.
Comment: Not observed at significant frequency in large population cohorts (gnomAD); In silico analysis supports that this variant does not alter splicing; Has not been previously published as pathogenic or benign to our knowledge

Literature cited by the submitters: PubMed 17576681 (cited by Labcorp Genetics (formerly Invitae), Labcorp); PubMed 9536098 (cited by Labcorp Genetics (formerly Invitae), Labcorp).